The following is an entry in ClinVar:

NM_024598.4(USB1):c.99-183T>G

Gene: USB1 (U6 snRNA biogenesis phosphodiesterase 1; plus strand). Cytogenetic location: 16q21.
Variant type: single nucleotide variant.
Coding change: c.99-183T>G on transcript NM_024598.4 (MANE Select); 183 bases into the intron before coding-DNA position 99, T replaced by G.
Molecular consequence: intron variant.
Genome position (GRCh38, 1-based): chr16:58,002,296, T>G. VCF-style: chr16-58002296-T-G. GRCh37 (hg19) VCF-style: chr16-58036200-T-G.
Other names: c.-55-183T>G (NM_001330568.2); c.99-183T>G (NM_001195302.2, NM_001204911.2, NM_001330569.2).
Identifiers: ClinVar variation 1706948 (VCV001706948.2), dbSNP rs114801960, ClinGen allele CA281629746.

ClinVar aggregate classification (germline): Likely benign (1 of 4 stars; one submission).

Allele frequency attached by ClinVar (database versions not stated): 1000 Genomes Project 30x 0.00906; gnomAD 0.00920; 1000 Genomes Project 0.00958; TOPMed 0.01045.
gnomAD v4.1: 1,386 of 152,212 alleles (0.91%); highest among the groups gnomAD compares: African/African-American, 3.1%; 26 homozygotes.

Submission:

GeneDx
Classification: Likely benign. Last evaluated: 2021-06-23. Review status: criteria provided, single submitter. Criteria: GeneDx Variant Classification Process June 2021. Collection method: clinical testing. Allele origin: germline. Affected: yes.
Comment: See Variant Classification Assertion Criteria.